The following is an entry in ClinVar:

NM_002769.5(PRSS1):c.475C>T (p.Gln159Ter)

Genes: PRSS1 (serine protease 1; plus strand), TRB (T cell receptor beta locus; plus strand). Cytogenetic location: 7q34.
Variant type: single nucleotide variant.
Coding change: c.475C>T on transcript NM_002769.5 (MANE Select); coding-DNA position 475, C replaced by T.
Protein change: p.Gln159Ter; replaces glutamine 159 with a stop codon.
Molecular consequence: nonsense. On other transcripts: non-coding transcript variant (5).
Genome position (GRCh38, 1-based): chr7:142,752,451, C>T. VCF-style: chr7-142752451-C-T. GRCh37 (hg19) VCF-style: chr7-142460302-C-T.
Other names: short protein forms Q159*.
Identifiers: ClinVar variation 1742884 (VCV001742884.2), dbSNP rs754802107, ClinGen allele CA4530025.

ClinVar aggregate classification (germline): Uncertain significance (1 of 4 stars; one submission).

Conditions:
Hereditary pancreatitis (PCTT). Also called: Hereditary chronic pancreatitis; PRSS1-Related Hereditary Pancreatitis. Identifiers: Orphanet 676, MedGen C0238339, MONDO:0008185, OMIM 167800.

Allele frequency attached by ClinVar (database versions not stated): gnomAD exomes below 0.00001; ExAC 0.00001.
gnomAD v4.1: 3 of 1,614,134 alleles (0.00019%); highest among the groups gnomAD compares: African/African-American, 0.0027%; no homozygotes.

Submission:

Ambry Genetics
Classification: Uncertain significance for Hereditary pancreatitis. Last evaluated: 2022-06-03. Review status: criteria provided, single submitter. Criteria: Ambry Variant Classification Scheme 2023. Collection method: clinical testing. Allele origin: germline.
Comment: The p.Q159* variant (also known as c.475C>T), located in coding exon 4 of the PRSS1 gene, results from a C to T substitution at nucleotide position 475. This changes the amino acid from a glutamine to a stop codon within coding exon 4. This alteration is expected to result in loss of function by premature protein truncation or nonsense-mediated mRNA decay. However, loss of function of PRSS1 has not been clearly established as a mechanism of disease. Since supporting evidence is limited at this time, the clinical significance of this alteration remains unclear.